The following is an entry in ClinVar:

ClinVar aggregate classification (germline): Likely benign. Review status: criteria provided, multiple submitters, no conflicts (2 of 4 stars). 2 submissions from 2 submitters: Likely benign (2). Last evaluated 2025-10-14.

Conditions:
FGFR3-related disorder. Also called: FGFR3-related disorders.

gnomAD v4.1: 3 of 1,613,356 alleles (0.00019%); highest among the groups gnomAD compares: Admixed American, 0.005%; no homozygotes.

Submissions (2):

Labcorp Genetics (formerly Invitae), Labcorp
Classification: Likely benign. Last evaluated: 2025-10-14. Review status: criteria provided, single submitter. Criteria: Invitae Variant Classification Sherloc (09022015). Collection method: clinical testing. Allele origin: germline.

PreventionGenetics, part of Exact Sciences
Classification: Likely benign for FGFR3-related condition. Last evaluated: 2025-09-14. Review status: criteria provided, single submitter. Criteria: ACMG Guidelines, 2015. Collection method: clinical testing. Allele origin: germline.
Comment: This variant is classified as likely benign based on ACMG/AMP sequence variant interpretation guidelines (Richards et al. 2015 PMID: 25741868, with internal and published modifications).

NM_000142.5(FGFR3):c.1837-4C>T

Gene: FGFR3 (fibroblast growth factor receptor 3; plus strand). Cytogenetic location: 4p16.3.
Variant type: single nucleotide variant.
Coding change: c.1837-4C>T on transcript NM_000142.5 (MANE Select); 4 bases into the intron before coding-DNA position 1837, C replaced by T.
Molecular consequence: intron variant.
Genome position (GRCh38, 1-based): chr4:1,806,047, C>T. VCF-style: chr4-1806047-C-T. GRCh37 (hg19) VCF-style: chr4-1807774-C-T.
Other names: c.1843-4C>T (NM_001163213.2); c.1840-4C>T (NM_001354809.2, NM_001354810.2); c.1501-4C>T (NM_022965.4); c.1837-4C>T (NM_000142.4).
Identifiers: ClinVar variation 4746074 (VCV004746074.2).